The following is an entry in ClinVar:

NM_000038.6(APC):c.6155dup (p.Pro2053fs)

Gene: APC (APC regulator of Wnt signaling pathway; plus strand). Cytogenetic location: 5q22.2.
Variant type: Duplication.
Coding change: c.6155dup on transcript NM_000038.6 (MANE Select); coding-DNA position 6155, one base duplicated (A; older notation c.6155dupA).
Protein change: p.Pro2053fs; shifts the reading frame from proline 2053.
Molecular consequence: frameshift variant.
Genome position (GRCh38, 1-based): chr5:112,841,749, A duplicated; the last of 5 consecutive A bases (chr5:112,841,745-112,841,749); duplicating any one gives the same sequence. VCF-style (leftmost placement, unchanged base first): chr5-112841744-G-GA. GRCh37 (hg19) VCF-style: chr5-112177441-G-GA.
Other names: c.6155dup, p.Pro2053fs (NM_001127510.3, NM_001354895.2); c.6101dup, p.Pro2035fs (NM_001127511.3); c.6209dup, p.Pro2071fs (NM_001354896.2); c.6185dup, p.Pro2063fs (NM_001354897.2); c.6080dup, p.Pro2028fs (NM_001354898.2); c.6071dup, p.Pro2025fs (NM_001354899.2); c.6032dup, p.Pro2012fs (NM_001354900.2); c.5978dup, p.Pro1994fs (NM_001354901.2); and 16 more; short protein forms P1893fs, P1994fs, P1927fs, P1952fs, P1962fs, P2035fs, P2053fs, P1770fs.
Identifiers: ClinVar variation 1751899 (VCV001751899.3), dbSNP rs2149958320, ClinGen allele CA2580072294.

ClinVar aggregate classification (germline): Pathogenic. Review status: criteria provided, multiple submitters, no conflicts (2 of 4 stars). 2 submissions from 2 submitters: Pathogenic (2). Last evaluated 2025-06-03.

Conditions:
Hereditary cancer-predisposing syndrome. Also called: Hereditary Cancer Syndrome; Hereditary neoplastic syndrome; Neoplastic Syndromes, Hereditary; Tumor predisposition. Identifiers: Orphanet 140162, MedGen C0027672, MeSH D009386, MONDO:0015356.

Submissions (2):

Color Diagnostics, LLC DBA Color Health
Classification: Pathogenic for Hereditary cancer-predisposing syndrome. Last evaluated: 2025-06-03. Review status: criteria provided, single submitter. Criteria: ACMG Guidelines, 2015. Collection method: clinical testing. Allele origin: germline.
Comment: This variant inserts 1 nucleotide in exon 16 of the APC gene, creating a frameshift and premature translation stop signal. This variant is expected to escape non-sense mediated decay but result in a non-functional protein product. To our knowledge, this variant has not been reported in individuals affected with APC-related disorders in the literature. This variant has not been identified in the general population by the Genome Aggregation Database (gnomAD). Loss of APC function is a known mechanism of disease. Based on the available evidence, this variant is classified as Pathogenic.

Ambry Genetics
Classification: Pathogenic for Hereditary cancer-predisposing syndrome. Last evaluated: 2021-11-01. Review status: criteria provided, single submitter. Criteria: Ambry Variant Classification Scheme 2023. Collection method: clinical testing. Allele origin: germline.
Comment: The c.6155dupA pathogenic mutation, located in coding exon 15 of the APC gene, results from a duplication of A at nucleotide position 6155, causing a translational frameshift with a predicted alternate stop codon (p.P2053Afs*7). This alteration occurs at the 3' terminus of theAPC gene, is not expected to trigger nonsense-mediated mRNA decay, and impacts the last 791 amino acids of the protein. However, premature stop codons are typically deleterious in nature, the impacted region is critical for protein function, and a significant portion of the protein is affected (Ambry internal data). This variant is considered to be rare based on population cohorts in the Genome Aggregation Database (gnomAD). Based on the supporting evidence, this alteration is interpreted as a disease-causing mutation.